The following is an entry in ClinVar:

NM_000289.6(PFKM):c.1552del (p.Leu518fs)

Gene: PFKM (phosphofructokinase, muscle; plus strand). Cytogenetic location: 12q13.11.
Variant type: Deletion.
Coding change: c.1552del on transcript NM_000289.6 (MANE Select); coding-DNA position 1552, one base deleted (C; older notation c.1552delC).
Protein change: p.Leu518fs; shifts the reading frame from leucine 518.
Molecular consequence: frameshift variant. On other transcripts: non-coding transcript variant (6).
Genome position (GRCh38, 1-based): chr12:48,141,965, C deleted. VCF-style (leftmost placement, unchanged base first): chr12-48141964-GC-G. GRCh37 (hg19) VCF-style: chr12-48535747-GC-G.
Other names: c.1765del, p.Leu589fs (NM_001166686.2, NM_001354737.1, NM_001354738.1 and 1 more transcripts); c.1552del, p.Leu518fs (NM_001166687.2, NM_001166688.2, NM_001354742.2 and 2 more transcripts); c.1861del, p.Leu621fs (NM_001354735.1, NM_001354736.1); c.1696del, p.Leu566fs (NM_001354740.1); c.1576del, p.Leu526fs (NM_001354741.2); c.1465del, p.Leu489fs (NM_001354745.2); c.1426del, p.Leu476fs (NM_001354746.2); c.1402del, p.Leu468fs (NM_001354747.2, NM_001354748.2); and 2 more; short protein forms L468fs, L476fs, L487fs, L489fs, L518fs, L526fs, L558fs, L566fs.
Identifiers: ClinVar variation 5012595 (VCV005012595.1).

ClinVar aggregate classification (germline): Pathogenic (1 of 4 stars; one submission).

Conditions:
Glycogen storage disease, type VII (GSD7). Also called: GSD VII; MUSCLE PHOSPHOFRUCTOKINASE DEFICIENCY; PFKM DEFICIENCY; TARUI DISEASE. Identifiers: Orphanet 371, MedGen C0017926, MONDO:0009295, OMIM 232800.

Submission:

Myriad Genetics, Inc.
Classification: Pathogenic for Glycogen storage disease, type VII. Last evaluated: 2023-12-20. Review status: criteria provided, single submitter. Criteria: Myriad Autosomal Dominant, Autosomal Recessive and X-Linked Classification Criteria (2023). Collection method: clinical testing. Allele origin: unknown.
Comment: NM_001166686.1(PFKM):c.1765delC(L589Sfs*99) is expected to be pathogenic in the context of glycogen storage disease, PFKM-related. This variant is predicted to lead to an abnormal or absent protein product due to the creation of a premature termination codon in PFKM, a gene where loss-of-function variants are known to be pathogenic. Please note: this variant was assessed in the context of healthy population screening.